The following is an entry in ClinVar:

ClinVar aggregate classification (germline): Likely benign. Review status: criteria provided, multiple submitters, no conflicts (2 of 4 stars). 5 submissions from 5 submitters: Likely benign (2). 3 of the submissions do not count toward it. Last evaluated 2025-07-22.

Conditions:
Dilated cardiomyopathy 1G (CMD1G). Identifiers: Orphanet 154, MedGen C1858763, MONDO:0011400, OMIM 604145.
Autosomal recessive limb-girdle muscular dystrophy type 2J (LGMDR10). Also called: MUSCULAR DYSTROPHY, LIMB-GIRDLE, AUTOSOMAL RECESSIVE 10; Limb-girdle muscular dystrophy, type 2J. Identifiers: Orphanet 140922, MedGen C1837342, MONDO:0012127, OMIM 608807.

Allele frequency attached by ClinVar (database versions not stated): gnomAD exomes 0.00002 and 0.00005; ExAC 0.00003; gnomAD 0.00003 and 0.00004; TOPMed 0.00004.

Submissions (5):

Labcorp Genetics (formerly Invitae), Labcorp
Classification: Likely benign for Dilated cardiomyopathy 1G; Autosomal recessive limb-girdle muscular dystrophy type 2J. Last evaluated: 2025-07-22. Review status: criteria provided, single submitter. Criteria: Invitae Variant Classification Sherloc (09022015). Collection method: clinical testing. Allele origin: germline.

GeneDx
Classification: Likely benign. Last evaluated: 2017-07-10. Review status: criteria provided, single submitter. Criteria: GeneDx Variant Classification (06012015). Collection method: clinical testing. Allele origin: germline. Affected: yes.
Comment: This variant is considered likely benign or benign based on one or more of the following criteria: it is a conservative change, it occurs at a poorly conserved position in the protein, it is predicted to be benign by multiple in silico algorithms, and/or has population frequency not consistent with disease.

Clinical Genetics, Academic Medical Center
Classification: Benign. Review status: no assertion criteria provided. Collection method: clinical testing. Allele origin: germline. Affected: yes. Study: VKGL Data-share Consensus. Not counted in ClinVar's aggregate classification.

Diagnostic Laboratory, Department of Genetics, University Medical Center Groningen
Classification: Likely benign. Review status: no assertion criteria provided. Collection method: clinical testing. Allele origin: germline. Affected: yes. Study: VKGL Data-share Consensus. Not counted in ClinVar's aggregate classification.

Genome Diagnostics Laboratory, University Medical Center Utrecht
Classification: Likely benign. Review status: no assertion criteria provided. Collection method: clinical testing. Allele origin: germline. Affected: yes. Study: VKGL Data-share Consensus. Not counted in ClinVar's aggregate classification.

NM_001267550.2(TTN):c.46697-19_46697-18del

Genes: TTN-AS1 (TTN antisense RNA 1; plus strand), TTN (titin; minus strand). Cytogenetic location: 2q31.2.
Variant type: Deletion.
Coding change: c.46697-19_46697-18del on transcript NM_001267550.2 (MANE Select); 19 bases into the intron before coding-DNA position 46697 through 18 bases into the intron before coding-DNA position 46697, 2 bases deleted (AT; older notation c.46697-19_46697-18delAT).
Molecular consequence: intron variant.
Genome position (GRCh38, 1-based): chr2:178,618,871-178,618,872, AT deleted on the plus strand (AT on the coding strand, the reverse complement: TTN is on the minus strand). VCF-style (leftmost placement, unchanged base first): chr2-178618870-CAT-C. GRCh37 (hg19) VCF-style: chr2-179483597-CAT-C.
Other names: c.19502-19_19502-18del (NM_003319.4); c.20078-19_20078-18del (NM_133437.4); c.19877-19_19877-18del (NM_133432.3); c.38993-19_38993-18del (NM_133378.4); c.41774-19_41774-18del (NM_001256850.1); c.41774-19_41774-18delAT (NM_001256850.1).
Identifiers: ClinVar variation 422248 (VCV000422248.14), dbSNP rs530484268, ClinGen allele CA1995186.